The following is an entry in ClinVar:

NM_000455.5(STK11):c.691T>C (p.Phe231Leu)

Gene: STK11 (serine/threonine kinase 11; plus strand). Cytogenetic location: 19p13.3.
Variant type: single nucleotide variant.
Coding change: c.691T>C on transcript NM_000455.5 (MANE Select); coding-DNA position 691, T replaced by C.
Protein change: p.Phe231Leu; replaces phenylalanine 231 with leucine.
Molecular consequence: missense variant. On other transcripts: non-coding transcript variant (1).
Genome position (GRCh38, 1-based): chr19:1,220,674, T>C. VCF-style: chr19-1220674-T-C. GRCh37 (hg19) VCF-style: chr19-1220673-T-C.
Other names: c.691T>C, p.Phe231Leu (NM_001407255.1); short protein forms F231L.
Identifiers: ClinVar variation 5037336 (VCV005037336.1).

ClinVar aggregate classification (germline): Uncertain significance (1 of 4 stars; one submission).

gnomAD v4.1: 1 of 1,610,974 alleles (0.000062%); highest among the groups gnomAD compares: Non-Finnish European, 0.000085%; no homozygotes.

Submission:

GeneDx
Classification: Uncertain significance. Last evaluated: 2026-04-16. Review status: criteria provided, single submitter. Criteria: GeneDx Variant Classification Process June 2021. Collection method: clinical testing. Allele origin: germline.
Comment: Not observed at significant frequency in large population cohorts (gnomAD); In silico analysis supports that this missense variant has a deleterious effect on protein structure/function; Has not been previously published as pathogenic or benign to our knowledge; This variant is associated with the following publications: (PMID: 15863673)